The following is an entry in ClinVar:

ClinVar aggregate classification (germline): Pathogenic. Review status: criteria provided, multiple submitters, no conflicts (2 of 4 stars). 9 submissions from 9 submitters: Pathogenic (8). 1 of the submissions does not count toward it. Last evaluated 2026-07-29.

Conditions:
Hereditary cancer-predisposing syndrome. Also called: Hereditary Cancer Syndrome; Tumor predisposition; Neoplastic Syndromes, Hereditary; Hereditary neoplastic syndrome. Identifiers: Orphanet 140162, MedGen C0027672, MeSH D009386, MONDO:0015356.
Tuberous sclerosis syndrome (TSC). Also called: Tuberous Sclerosis Complex; Tuberous sclerosis. Identifiers: Orphanet 805, MedGen C0041341, MONDO:0001734.
Tuberous sclerosis 2 (TSC2). Identifiers: Orphanet 805, MedGen C1860707, MONDO:0013199, OMIM 613254.
Lymphangiomyomatosis (LAM). Also called: Lymphangioleiomyomatosis; Lymphangioleiomyomatosis, somatic. Identifiers: Orphanet 538, MedGen C0751674, MONDO:0011705, OMIM 606690.

Submissions (9):

Ambry Genetics
Classification: Pathogenic for Hereditary cancer-predisposing syndrome. Last evaluated: 2026-07-29. Review status: criteria provided, single submitter. Criteria: Ambry Variant Classification Scheme 2023. Collection method: clinical testing. Allele origin: germline.
Comment: The p.W703* pathogenic mutation (also known as c.2108G>A), located in coding exon 19 of the TSC2 gene, results from a G to A substitution at nucleotide position 2108. This changes the amino acid from a tryptophan to a stop codon within coding exon 19. This variant was reported in individual(s) with features consistent with tuberous sclerosis; in at least one individual, it was determined to be de novo (Yang G et al. Clin Genet, 2017 May;91:764-768; Milon V et al. Eur J Hum Genet, 2024 Dec;32:1590-159). This variant is considered to be rare based on population cohorts in the Genome Aggregation Database (gnomAD).This variant is expected to result in loss of function by premature protein truncation or nonsense-mediated mRNA decay. As such, this variant is interpreted as a disease-causing mutation.

GeneDx
Classification: Pathogenic. Last evaluated: 2026-03-31. Review status: criteria provided, single submitter. Criteria: GeneDx Variant Classification Process June 2021. Collection method: clinical testing. Allele origin: germline.
Comment: Nonsense variant predicted to result in protein truncation or nonsense mediated decay in a gene for which loss of function is a known mechanism of disease; Not observed at significant frequency in large population cohorts (gnomAD); This variant is associated with the following publications: (PMID: 25525159, 38806662, 11468687, 10205261, 11112665, 17304050)

Molecular Diagnostics Laboratory, Catalan Institute of Oncology
Classification: Pathogenic for Hereditary cancer-predisposing syndrome. Last evaluated: 2024-11-19. Review status: criteria provided, single submitter. Criteria: ACMG Guidelines, 2015. Collection method: clinical testing. Allele origin: germline.
Comment: PVS1, PM2_Supporting, PP4 c.2108G>A, located in exon 20 of the TSC2 gene, is a nonsense variant expected to result in loss of function by premature protein truncation and nonsense-mediated mRNA decay, p.(Trp703*)(PVS1). The SpliceAI algorithm predicts no significant impact on splicing. It is not present in the population database gnomAD v2.1.1, non cancer dataset (PM2_supporting). To our knowledge, functional studies have not been reported for this variant. In adition, this variant has been reported in the ClinVar database (3x pathogenic) and in the LOVD database (5x pathogenic). TSC2 c.2108G>A has been identified in several patients affected with tuberous sclerosis (PMID: 17304050, PMID: 11112665, PMID: 10205261)(PP4). Based on currently available information, the variant c.2108G>A is classified as a pathogenic variant according to ACMG guidelines.

CeGaT Center for Human Genetics Tuebingen
Classification: Pathogenic. Last evaluated: 2024-11-01. Review status: criteria provided, single submitter. Criteria: CeGaT Center For Human Genetics Tuebingen Variant Classification Criteria Version 2. Collection method: clinical testing. Allele origin: germline. Affected: yes. Observed: 1 variant allele.
Comment: TSC2: PVS1, PM2

Dubai Health Genomic Medicine Center, Dubai Health
Classification: Pathogenic for Lymphangioleiomyomatosis. Last evaluated: 2024-10-04. Review status: criteria provided, single submitter. Criteria: ACMG Guidelines, 2015. Collection method: research. Allele origin: germline. Affected: yes.
Comment: PVS1,PM2,PP4

Labcorp Genetics (formerly Invitae), Labcorp
Classification: Pathogenic for Tuberous sclerosis 2. Last evaluated: 2022-01-06. Review status: criteria provided, single submitter. Criteria: Invitae Variant Classification Sherloc (09022015). Collection method: clinical testing. Allele origin: germline.
Comment: For these reasons, this variant has been classified as Pathogenic. ClinVar contains an entry for this variant (Variation ID: 49736). This variant is also known as G2127A (p.W703X). This premature translational stop signal has been observed in individual(s) with tuberous sclerosis complex (PMID: 10205261, 11112665, 17304050). This variant is not present in population databases (gnomAD no frequency). This sequence change creates a premature translational stop signal (p.Trp703*) in the TSC2 gene. It is expected to result in an absent or disrupted protein product. Loss-of-function variants in TSC2 are known to be pathogenic (PMID: 10205261, 17304050).

Genome-Nilou Lab
Classification: Pathogenic for Tuberous sclerosis 2. Last evaluated: 2021-11-07. Review status: criteria provided, single submitter. Criteria: ACMG Guidelines, 2015. Collection method: clinical testing. Allele origin: germline. Affected: no.

Athena Diagnostics
Classification: Pathogenic for Tuberous sclerosis 2. Last evaluated: 2014-07-01. Review status: criteria provided, single submitter. Criteria: Athena Diagnostics Criteria. Collection method: clinical testing. Allele origin: germline. Inheritance: Autosomal dominant inheritance.

Tuberous sclerosis database (TSC2)
No classification provided. Condition: TSC. Review status: no classification provided. Criteria: Tuberous Sclerosis Database Assertion Criteria 2015. Collection method: curation. Allele origin: germline. Affected: yes. Not counted in ClinVar's aggregate classification.

Literature cited by the submitters: PubMed 27859028 (cited by Ambry Genetics); PubMed 38806662 (cited by Ambry Genetics); PubMed 10205261 (cited by Labcorp Genetics (formerly Invitae), Labcorp); PubMed 11112665 (cited by Labcorp Genetics (formerly Invitae), Labcorp and Athena Diagnostics); PubMed 17304050 (cited by Labcorp Genetics (formerly Invitae), Labcorp and Athena Diagnostics).

NM_000548.5(TSC2):c.2108G>A (p.Trp703Ter)

Gene: TSC2 (TSC complex subunit 2; plus strand). Cytogenetic location: 16p13.3.
Variant type: single nucleotide variant.
Coding change: c.2108G>A on transcript NM_000548.5 (MANE Select); coding-DNA position 2108, G replaced by A.
Protein change: p.Trp703Ter; replaces tryptophan 703 with a stop codon.
Molecular consequence: nonsense.
Genome position (GRCh38, 1-based): chr16:2,072,251, G>A. VCF-style: chr16-2072251-G-A. GRCh37 (hg19) VCF-style: chr16-2122252-G-A.
Other names: c.2108G>A, p.Trp703Ter (NM_001077183.3, NM_001114382.3, NM_001363528.2 and 3 more transcripts); c.1997G>A, p.Trp666Ter (NM_001318827.2); c.1961G>A, p.Trp654Ter (NM_001318829.2); c.1508G>A, p.Trp503Ter (NM_001318831.2); c.2141G>A, p.Trp714Ter (NM_001318832.2); short protein forms W703*, W654*, W503*, W714*, W666*.
Identifiers: ClinVar variation 49736 (VCV000049736.29), dbSNP rs45517213, ClinGen allele CA016778.
Genomic context (GRCh38, chr16:2,072,251, plus strand): 5'-CTGTCTCTAGGGTCCAGAAGGCCCTGTCCTGACGCCTCCTCTCCTCGCAGGAGTCTGACT[G>A]GAAGGTGCTGAAGCTGGTTCTGGGCAGGCTGCCTGAGTCCCTGCGCTATAAAGTGCTCAT-3'